The following is an entry in ClinVar:

NM_002863.5(PYGL):c.611A>G (p.Tyr204Cys)

Gene: PYGL (glycogen phosphorylase L; minus strand). Cytogenetic location: 14q22.1.
Variant type: single nucleotide variant.
Coding change: c.611A>G on transcript NM_002863.5 (MANE Select); coding-DNA position 611, A replaced by G.
Protein change: p.Tyr204Cys; replaces tyrosine 204 with cysteine.
Molecular consequence: missense variant.
Genome position (GRCh38, 1-based): chr14:50,924,018, T>C on the plus strand (A>G on the coding strand, the complement: PYGL is on the minus strand). VCF-style: chr14-50924018-T-C. GRCh37 (hg19) VCF-style: chr14-51390736-T-C.
Other names: p.Tyr204Cys; c.509A>G, p.Tyr170Cys (NM_001163940.2); short protein forms Y204C, Y170C.
Identifiers: ClinVar variation 313331 (VCV000313331.64), dbSNP rs34096980, ClinGen allele CA7183751.
Genomic context (GRCh38, chr14:50,924,018, plus strand): 5'-ACTCTGAATACTTGAGTGTCAATCCACTTGGTCCCGGTGTTGGTGTGTTCTACTTTTCCA[T>C]AGAAGTGCACAGGCAGCATGAATTCTGGGCGGGACTTCTCCCAAGGGTTTCCATATCTGA-3'
Protein context (NP_002854.3, residues 194-214): RPEFMLPVHF[Tyr204Cys]GKVEHTNTGT

ClinVar aggregate classification (germline): Conflicting classifications of pathogenicity. Review status: criteria provided, conflicting classifications (1 of 4 stars). 9 submissions from 9 submitters: Uncertain significance (1); Likely benign (7). 1 of the submissions does not count toward it. Last evaluated 2026-01-19.

Conditions:
Glycogen storage disease, type VI (GSD6). Also called: Glycogen storage disease type 6, due to phosphorylation; GSD VI; Glycogen storage disease type 6; Hepatic glycogen phosphorylase deficiency; HERS DISEASE; PHOSPHORYLASE DEFICIENCY GLYCOGEN-STORAGE DISEASE OF LIVER. Identifiers: Orphanet 369, MedGen C0017925, MONDO:0009294, OMIM 232700.
PYGL-related disorder. Also called: PYGL-related condition.

Allele frequency attached by ClinVar (database versions not stated): 1000 Genomes Project 30x 0.00172; 1000 Genomes Project 0.00180; TOPMed 0.00226; ESP Exome Variant Server 0.00238; gnomAD 0.00240 and 0.00245; gnomAD exomes 0.00273 and 0.00309; ExAC 0.00315.
gnomAD v4.1: 4,824 of 1,613,930 alleles (0.3%); highest among the groups gnomAD compares: Non-Finnish European, 0.35%; 16 homozygotes.

Submissions (9):

Labcorp Genetics (formerly Invitae), Labcorp
Classification: Likely benign for Glycogen storage disease, type VI. Last evaluated: 2026-01-19. Review status: criteria provided, single submitter. Criteria: Invitae Variant Classification Sherloc (09022015). Collection method: clinical testing. Allele origin: germline.

Blueprint Genetics
Classification: Likely benign. Last evaluated: 2024-11-27. Review status: criteria provided, single submitter. Criteria: ACMG Guidelines, 2015. Collection method: clinical testing. Allele origin: germline.

ARUP Laboratories, Molecular Genetics and Genomics, ARUP Laboratories
Classification: Likely benign for Glycogen storage disease, type VI. Last evaluated: 2024-11-05. Review status: criteria provided, single submitter. Criteria: ARUP Molecular Germline Variant Investigation Process 2024. Collection method: clinical testing. Allele origin: germline.

CeGaT Center for Human Genetics Tuebingen
Classification: Likely benign. Last evaluated: 2023-12-01. Review status: criteria provided, single submitter. Criteria: CeGaT Center For Human Genetics Tuebingen Variant Classification Criteria Version 2. Collection method: clinical testing. Allele origin: germline. Affected: yes. Observed: 3 variant alleles.
Comment: PYGL: BS2

Mayo Clinic Laboratories, Mayo Clinic
Classification: Uncertain significance. Last evaluated: 2023-06-08. Review status: criteria provided, single submitter. Criteria: ACMG Guidelines, 2015. Collection method: clinical testing. Allele origin: germline. Observed: 3 variant alleles.
Comment: BS1, PP3

Illumina Laboratory Services, Illumina
Classification: Likely benign for Glycogen storage disease, type VI. Last evaluated: 2018-01-13. Review status: criteria provided, single submitter. Criteria: ICSL Variant Classification Criteria 13 December 2019. Collection method: clinical testing. Allele origin: germline.
Comment: This variant was observed in the ICSL laboratory as part of a predisposition screen in an ostensibly healthy population. It had not been previously curated by ICSL or reported in the Human Gene Mutation Database (HGMD: prior to June 1st, 2018), and was therefore a candidate for classification through an automated scoring system. Utilizing variant allele frequency, disease prevalence and penetrance estimates, and inheritance mode, an automated score was calculated to assess if this variant is too frequent to cause the disease. Based on the score and internal cut-off values, a variant classified as likely benign is not then subjected to further curation. The score for this variant resulted in a classification of likely benign for this disease.

Eurofins Ntd Llc (ga)
Classification: Likely benign. Last evaluated: 2017-05-26. Review status: criteria provided, single submitter. Criteria: EGL Classification Definitions 2015. Collection method: clinical testing. Allele origin: germline. Observed: 2 variant alleles, 2 heterozygotes.

Breakthrough Genomics
Classification: Likely benign. Review status: criteria provided, single submitter. Criteria: ACMG Guidelines, 2015. Collection method: not provided. Allele origin: germline. Inheritance: Autosomal recessive inheritance. Affected: yes.

PreventionGenetics, part of Exact Sciences
Classification: Likely benign for PYGL-related condition. Last evaluated: 2022-05-25. Review status: no assertion criteria provided. Collection method: clinical testing. Allele origin: germline. Not counted in ClinVar's aggregate classification.
Comment: This variant is classified as likely benign based on ACMG/AMP sequence variant interpretation guidelines (Richards et al. 2015 PMID: 25741868, with internal and published modifications).